The following is an entry in ClinVar:

NM_016120.4(RLIM):c.785G>A (p.Ser262Asn)

Gene: RLIM (ring finger protein, LIM domain interacting; minus strand). Cytogenetic location: Xq13.2.
Variant type: single nucleotide variant.
Coding change: c.785G>A on transcript NM_016120.4 (MANE Select); coding-DNA position 785, G replaced by A.
Protein change: p.Ser262Asn; replaces serine 262 with asparagine.
Molecular consequence: missense variant.
Genome position (GRCh38, 1-based): chrX:74,592,530, C>T on the plus strand (G>A on the coding strand, the complement: RLIM is on the minus strand). VCF-style: chrX-74592530-C-T. GRCh37 (hg19) VCF-style: chrX-73812365-C-T.
Other names: c.785G>A, p.Ser262Asn (NM_183353.3); short protein forms S262N.
Identifiers: ClinVar variation 3900145 (VCV003900145.1).

ClinVar aggregate classification (germline): Uncertain significance (1 of 4 stars; one submission).

Submission:

GeneDx
Classification: Uncertain significance. Last evaluated: 2024-11-25. Review status: criteria provided, single submitter. Criteria: GeneDx Variant Classification Process June 2021. Collection method: clinical testing. Allele origin: germline. Affected: yes.
Comment: Not observed at significant frequency in large population cohorts (gnomAD); In silico analysis indicates that this missense variant does not alter protein structure/function; Has not been previously published as pathogenic or benign to our knowledge